The following is an entry in ClinVar:

NM_014319.5(LEMD3):c.823G>A (p.Val275Ile)

Gene: LEMD3 (LEM domain containing 3; plus strand). Cytogenetic location: 12q14.3.
Variant type: single nucleotide variant.
Coding change: c.823G>A on transcript NM_014319.5 (MANE Select); coding-DNA position 823, G replaced by A.
Protein change: p.Val275Ile; replaces valine 275 with isoleucine.
Molecular consequence: missense variant.
Genome position (GRCh38, 1-based): chr12:65,170,419, G>A. VCF-style: chr12-65170419-G-A. GRCh37 (hg19) VCF-style: chr12-65564199-G-A.
Other names: c.823G>A, p.Val275Ile (NM_001167614.2); short protein forms V275I.
Identifiers: ClinVar variation 3007947 (VCV003007947.3), dbSNP rs1466799996, ClinGen allele CA385674151.

ClinVar aggregate classification (germline): Uncertain significance (1 of 4 stars; one submission).

Allele frequency attached by ClinVar (database versions not stated): gnomAD exomes 0.00001.
gnomAD v4.1: 5 of 1,614,050 alleles (0.00031%); highest among the groups gnomAD compares: South Asian, 0.0011%; no homozygotes.

Submission:

Labcorp Genetics (formerly Invitae), Labcorp
Classification: Uncertain significance. Last evaluated: 2024-01-14. Review status: criteria provided, single submitter. Criteria: Invitae Variant Classification Sherloc (09022015). Collection method: clinical testing. Allele origin: germline.
Comment: This sequence change replaces valine, which is neutral and non-polar, with isoleucine, which is neutral and non-polar, at codon 275 of the LEMD3 protein (p.Val275Ile). This variant is present in population databases (no rsID available, gnomAD 0.003%). This variant has not been reported in the literature in individuals affected with LEMD3-related conditions. An algorithm developed to predict the effect of missense changes on protein structure and function (PolyPhen-2) suggests that this variant is likely to be tolerated. Algorithms developed to predict the effect of sequence changes on RNA splicing suggest that this variant may create or strengthen a splice site. In summary, the available evidence is currently insufficient to determine the role of this variant in disease. Therefore, it has been classified as a Variant of Uncertain Significance.